The following is an entry in ClinVar:

NM_133642.5(LARGE1):c.893-4C>A

Gene: LARGE1 (LARGE xylosyl- and glucuronyltransferase 1; minus strand). Cytogenetic location: 22q12.3.
Variant type: single nucleotide variant.
Coding change: c.893-4C>A on transcript NM_133642.5 (MANE Select); 4 bases into the intron before coding-DNA position 893, C replaced by A.
Molecular consequence: intron variant.
Genome position (GRCh38, 1-based): chr22:33,384,308, G>T on the plus strand (C>A on the coding strand, the complement: LARGE1 is on the minus strand). VCF-style: chr22-33384308-G-T. GRCh37 (hg19) VCF-style: chr22-33780294-G-T.
Other names: c.893-4C>A (NM_001362953.2, NM_001362949.2, NM_001378627.1 and 7 more transcripts); c.290-4C>A (NM_001378631.1, NM_001378630.1).
Identifiers: ClinVar variation 3031999 (VCV003031999.2), dbSNP rs2147135797, ClinGen allele CA2656331513.

ClinVar aggregate classification (germline): Likely benign (0 of 4 stars; one submission).

Conditions:
LARGE1-related disorder. Also called: LARGE1-related condition.

Submission:

PreventionGenetics, part of Exact Sciences
Classification: Likely benign for LARGE1-related condition. Last evaluated: 2024-02-02. Review status: no assertion criteria provided. Collection method: clinical testing. Allele origin: germline.
Comment: This variant is classified as likely benign based on ACMG/AMP sequence variant interpretation guidelines (Richards et al. 2015 PMID: 25741868, with internal and published modifications).